The following is an entry in ClinVar:

NC_000017.11:g.(?_43099755)_(43125483_?)del

Gene: BRCA1 (BRCA1 DNA repair associated; minus strand). Cytogenetic location: 17q21.31.
Variant type: Deletion.
Identifiers: ClinVar variation 832729 (VCV000832729.3).

ClinVar aggregate classification (germline): Pathogenic (1 of 4 stars; one submission).

Conditions:
Hereditary breast ovarian cancer syndrome. Also called: Hereditary breast and/or ovarian cancer syndrome; Hereditary breast and ovarian cancer syndrome (HBOC); Breast and ovarian cancer; Hereditary breast and ovarian cancer; BRCA1- and BRCA2-Associated Hereditary Breast and Ovarian Cancer; Hereditary breast and ovarian cancer syndrome. Identifiers: Orphanet 145, MedGen C0677776, MeSH D061325, MONDO:0003582. Disease mechanism: loss of function.

Submission:

Labcorp Genetics (formerly Invitae), Labcorp
Classification: Pathogenic for Hereditary breast ovarian cancer syndrome. Last evaluated: 2019-12-29. Review status: criteria provided, single submitter. Criteria: Invitae Variant Classification Sherloc (09022015). Collection method: clinical testing. Allele origin: germline.
Comment: Similar deletions have been observed in individuals with clinical features of hereditary breast and ovarian cancer (PMID: 18704682, 29433453). This variant is a gross deletion of the genomic region encompassing exons 1-7 of the BRCA1 gene, which includes the initiator codon. The 5' end of this event is unknown as it extends beyond the assayed region for this gene and therefore may encompass additional genes. The 3' boundary is likely confined to intron 7 of the BRCA1 gene. This is expected to result in an absent or disrupted protein product. Loss-of-function variants in BRCA1 are known to be pathogenic (PMID: 20104584). For these reasons, this variant has been classified as Pathogenic.

Literature cited by the submitters: PubMed 18704682; PubMed 29433453; PubMed 20104584.